The following is an entry in ClinVar:

ClinVar aggregate classification (germline): Uncertain significance. Review status: criteria provided, multiple submitters, no conflicts (2 of 4 stars). 5 submissions from 5 submitters: Uncertain significance (5). Last evaluated 2026-05-19.

Conditions:
Inborn genetic diseases. Identifiers: MedGen C0950123, MeSH D030342.
Hyperimmunoglobulin D with periodic fever (HIDS). Also called: Hyperimmunoglobulinemia D; HYPERIMMUNOGLOBULINEMIA D AND PERIODIC FEVER SYNDROME; Hyperimmunoglobulinemia D with periodic fever. Identifiers: Orphanet 343, MedGen C0398691, MONDO:0009849, OMIM 260920.
Porokeratosis 3, disseminated superficial actinic type (POROK3). Also called: POROKERATOSIS, DISSEMINATED SUPERFICIAL ACTINIC, 1; POROKERATOSIS 3, MULTIPLE TYPES; POROKERATOSIS 3, MIBELLI TYPE. Identifiers: MedGen C1867981, MONDO:0008293, OMIM 175900.
Mevalonic aciduria (MEVA). Identifiers: Orphanet 29, MedGen C1959626, MONDO:0012481, OMIM 610377.

Allele frequency attached by ClinVar (database versions not stated): TOPMed below 0.00001.

Submissions (5):

Ambry Genetics
Classification: Uncertain significance for Inborn genetic diseases. Last evaluated: 2026-05-19. Review status: criteria provided, single submitter. Criteria: Ambry Variant Classification Scheme 2023. Collection method: clinical testing. Allele origin: germline.

Labcorp Genetics (formerly Invitae), Labcorp
Classification: Uncertain significance for Mevalonic aciduria; Hyperimmunoglobulin D with periodic fever; Porokeratosis 3, disseminated superficial actinic type. Last evaluated: 2022-05-21. Review status: criteria provided, single submitter. Criteria: Invitae Variant Classification Sherloc (09022015). Collection method: clinical testing. Allele origin: germline.
Comment: This sequence change replaces proline, which is neutral and non-polar, with arginine, which is basic and polar, at codon 240 of the MVK protein (p.Pro240Arg). This variant is present in population databases (no rsID available, gnomAD 0.0009%). This variant has not been reported in the literature in individuals affected with MVK-related conditions. ClinVar contains an entry for this variant (Variation ID: 493121). Advanced modeling of protein sequence and biophysical properties (such as structural, functional, and spatial information, amino acid conservation, physicochemical variation, residue mobility, and thermodynamic stability) performed at Invitae indicates that this missense variant is expected to disrupt MVK protein function. In summary, the available evidence is currently insufficient to determine the role of this variant in disease. Therefore, it has been classified as a Variant of Uncertain Significance.

Institute for Clinical Genetics, University Hospital TU Dresden, University Hospital TU Dresden
Classification: Uncertain significance. Last evaluated: 2021-11-03. Review status: criteria provided, single submitter. Criteria: ACMG Guidelines, 2015. Collection method: clinical testing. Allele origin: germline.

Fulgent Genetics
Classification: Uncertain significance for Porokeratosis 3, disseminated superficial actinic type; Hyperimmunoglobulin D with periodic fever; Mevalonic aciduria. Last evaluated: 2021-09-17. Review status: criteria provided, single submitter. Criteria: ACMG Guidelines, 2015. Collection method: clinical testing. Allele origin: unknown.

CeGaT Center for Human Genetics Tuebingen
Classification: Uncertain significance. Last evaluated: 2017-07-01. Review status: criteria provided, single submitter. Criteria: CeGaT Center For Human Genetics Tuebingen Variant Classification Criteria Version 2. Collection method: clinical testing. Allele origin: germline. Affected: yes. Observed: 1 variant allele.

NM_000431.4(MVK):c.719C>G (p.Pro240Arg)

Gene: MVK (mevalonate kinase; plus strand). Cytogenetic location: 12q24.11.
Variant type: single nucleotide variant.
Coding change: c.719C>G on transcript NM_000431.4 (MANE Select); coding-DNA position 719, C replaced by G.
Protein change: p.Pro240Arg; replaces proline 240 with arginine.
Molecular consequence: missense variant.
Genome position (GRCh38, 1-based): chr12:109,590,812, C>G. VCF-style: chr12-109590812-C-G. GRCh37 (hg19) VCF-style: chr12-110028617-C-G.
Other names: c.719C>G, p.Pro240Arg (NM_001114185.3); c.563C>G, p.Pro188Arg (NM_001301182.2); short protein forms P240R, P188R.
Identifiers: ClinVar variation 493121 (VCV000493121.46), dbSNP rs1458254066, ClinGen allele CA386649050.
Genomic context (GRCh38, chr12:109,590,812, plus strand): 5'-CCTCCTCTTCACCCTGCAGGTCGCCAGCTCTCCAGATCCTGCTGACCAACACCAAAGTCC[C>G]TCGCAATACCAGGGCCCTTGTGGCTGGCGTCAGAAACAGGCTGCTCAAGGTGACTCTTGT-3'
Protein context (NP_000422.1, residues 230-250): LQILLTNTKV[Pro240Arg]RNTRALVAGV